The following is an entry in ClinVar:

ClinVar aggregate classification (germline): Pathogenic. Review status: criteria provided, multiple submitters, no conflicts (2 of 4 stars). 10 submissions from 10 submitters: Pathogenic (7). 3 of the submissions do not count toward it. Last evaluated 2025-02-02.

Conditions:
Spastic paraplegia, intellectual disability, nystagmus, and obesity. Also called: Spastic paraplegia, intellectual disability, nystagmus, and obesity;. Identifiers: Orphanet 521390, MedGen C4284592, MONDO:0015007, OMIM 617296.
Alexander disease (ALXDRD). Also called: Alexander's disease. Identifiers: Orphanet 58, MedGen C0270726, MONDO:0008752, OMIM 203450.

Submissions (10):

Labcorp Genetics (formerly Invitae), Labcorp
Classification: Pathogenic. Last evaluated: 2025-02-02. Review status: criteria provided, single submitter. Criteria: Invitae Variant Classification Sherloc (09022015). Collection method: clinical testing. Allele origin: germline.
Comment: This sequence change replaces arginine, which is basic and polar, with histidine, which is basic and polar, at codon 239 of the GFAP protein (p.Arg239His). This variant is not present in population databases (gnomAD no frequency). This missense change has been observed in individual(s) with Alexander disease (PMID: 11138011, 32180488). In at least one individual the variant was observed to be de novo. ClinVar contains an entry for this variant (Variation ID: 16168). Invitae Evidence Modeling of protein sequence and biophysical properties (such as structural, functional, and spatial information, amino acid conservation, physicochemical variation, residue mobility, and thermodynamic stability) indicates that this missense variant is expected to disrupt GFAP protein function with a positive predictive value of 95%. This variant disrupts the p.Arg239 amino acid residue in GFAP. Other variant(s) that disrupt this residue have been determined to be pathogenic (PMID: 11138011, 11587071, 17043438, 21041050, 34146839). This suggests that this residue is clinically significant, and that variants that disrupt this residue are likely to be disease-causing. For these reasons, this variant has been classified as Pathogenic.

Neuberg Centre For Genomic Medicine, NCGM
Classification: Pathogenic for Spastic paraplegia, intellectual disability, nystagmus, and obesity. Last evaluated: 2023-06-22. Review status: criteria provided, single submitter. Criteria: ACMG Guidelines, 2015. Collection method: clinical testing. Allele origin: germline. Inheritance: Autosomal dominant inheritance. Affected: yes.
Comment: The observed missense c.716G>A(p.Arg239His) variant in GFAP gene has been reported previously in heterozygous state in individual(s) affected with Alexander disease (Viedma-Poyatos et al., 2022). Experimental studies have shown that this p.Arg239His change affects GFAP gene function (Jany et al., 2013; Boczek et al., 2016). This variant is absent in gnomAD Exomes. This variant has been reported to the ClinVar database as Pathogenic (multiple submitters). The amino acid Arg at position 239 is changed to a His changing protein sequence and it might alter its composition and physico-chemical properties. The amino acid change p.Arg239His in GFAP is predicted as conserved by GERP++ and PhyloP across 100 vertebrates. Multiple lines of computational evidence (Polyphen - Damaging, SIFT - Damaging, and MutationTaster - Disease causing) predict a damaging effect on protein structure and function for this variant. For these reasons, this variant has been classified as Pathogenic.

Dasa
Classification: Pathogenic for Alexander disease. Last evaluated: 2022-06-10. Review status: criteria provided, single submitter. Criteria: ACMG Guidelines, 2015. Collection method: clinical testing. Allele origin: germline. Affected: yes. Observed: 1 variant allele.
Comment: The c.716G>A;p.(Arg239His) missense change has been observed in affected individual(s) and ClinVar contains an entry for this variant (ClinVar ID: 16168; NBK1172; OMIM 137780.0001; PMID: 24427505; 17383133; 11567214; 21533827) - PS4.Well-established in vitro or in vivo functional studies supportive of a damaging effect on the gene or gene product (PMID: 17065456, 23432455 ) - PS3. This variant is not present in population databases:rs59565950, gnomAD; ABraOM no frequency) - PM2. Missense variant in GFAP that has a low rate of benign missense variation and in which missense variants are a common mechanism of disease - PP2. Multiple lines of computational evidence support a deleterious effect on the gene or gene product - PP3. In summary, the currently available evidence indicates that the variant is Pathogenic

CeGaT Center for Human Genetics Tuebingen
Classification: Pathogenic. Last evaluated: 2021-09-01. Review status: criteria provided, single submitter. Criteria: CeGaT Center For Human Genetics Tuebingen Variant Classification Criteria Version 2. Collection method: clinical testing. Allele origin: germline. Affected: yes. Observed: 2 variant alleles.

GeneDx
Classification: Pathogenic. Last evaluated: 2020-04-30. Review status: criteria provided, single submitter. Criteria: GeneDx Variant Classification Process June 2021. Collection method: clinical testing. Allele origin: germline. Affected: yes.
Comment: Reported previously in the heterozygous state in at least one individual with Alexander syndrome (Brenner et al., 2001); Published functional studies demonstrate that mice harboring the R239H variant develop astrocyte pathology typical of Alexander disease (Hagerman et al., 2006; Sosunov et al., 2013; In silico analysis supports that this missense variant has a deleterious effect on protein structure/function; Not observed in large population cohorts (Lek et al., 2016); This variant is associated with the following publications: (PMID: 32180488, 11138011, 31484723, 28882119, 23432455, 24102621, 27966545, 27193225, 28359321, 27609520, 27798231, 27648269, 23616550, 17065456)

Juno Genomics, Hangzhou Juno Genomics, Inc
Classification: Pathogenic for Alexander disease. Review status: criteria provided, single submitter. Criteria: ACMG Guidelines, 2015. Collection method: clinical testing. Allele origin: germline. Affected: yes.
Comment: Absent from controls (or at extremely low frequency if recessive) in Genome Aggregation Database, Exome Sequencing Project, 1000 Genomes Project, or Exome Aggregation Consortium.;The prevalence of the variant in affected individuals is significantly increased compared to the prevalence in controls.;Patient's phenotype or family history is highly specific for a disease with a single genetic etiology.;Assumed de novo, but without confirmation of paternity and maternity.;Well-established in vitro or in vivo functional studies supportive of a damaging effect on the gene or gene product.;Novel missense change at an amino acid residue where a different missense change determined to be pathogenic has been seen before.

Laboratory for Animal Genetics, Ghent University
Classification: Pathogenic for Alexander disease. Review status: criteria provided, single submitter. Criteria: Van Poucke Eur J Hum Genet. 2016. Collection method: in vivo. Allele origin: de novo. Affected: yes.
Comment: Similar disease in dogs: OMIA 001208-9615. Tetraplegia with spastic front limbs mimicking 'swimming puppy syndrome'; detection of GFAP containing Rosenthal fibers in astrocytes; Alexander's disease (AxD) in a Labrador retriever is caused by a heterozygous de novo dominant R240H GFAP mutation, orthologous to the human R239H hotspot mutation known to cause a severe AxD phenotype.

OMIM
Classification: Pathogenic for ALEXANDER DISEASE. Last evaluated: 2005-03-01. Review status: no assertion criteria provided. Collection method: literature only. Allele origin: germline. Not counted in ClinVar's aggregate classification.

Epithelial Biology;  Institute of Medical Biology, Singapore
No classification provided. Review status: no classification provided. Collection method: not provided. Allele origin: not provided. Not counted in ClinVar's aggregate classification.

GeneReviews
No classification provided. Condition: Alexander disease. Review status: no classification provided. Collection method: literature only. Allele origin: germline. Not counted in ClinVar's aggregate classification.

Literature cited by the submitters: PubMed 11138011 (cited by 3 submitters); PubMed 32180488 (cited by Labcorp Genetics (formerly Invitae), Labcorp); PubMed 11587071 (cited by Labcorp Genetics (formerly Invitae), Labcorp); PubMed 17043438 (cited by Labcorp Genetics (formerly Invitae), Labcorp); PubMed 21041050 (cited by Labcorp Genetics (formerly Invitae), Labcorp); PubMed 34146839 (cited by Labcorp Genetics (formerly Invitae), Labcorp); PubMed 17065456 (cited by Dasa); PubMed 23432455 (cited by Dasa); PubMed 24427505 (cited by Dasa and GeneReviews); PubMed 17383133 (cited by Dasa and GeneReviews); PubMed 11567214 (cited by Dasa and GeneReviews); PubMed 21533827 (cited by Dasa and GeneReviews); PubMed 15732097 (cited by OMIM and GeneReviews); NCBI Bookshelf NBK1172 (cited by GeneReviews); PubMed 17894839 (cited by GeneReviews).

NM_002055.5(GFAP):c.716G>A (p.Arg239His)

Gene: GFAP (glial fibrillary acidic protein; minus strand). Cytogenetic location: 17q21.31.
Variant type: single nucleotide variant.
Coding change: c.716G>A on transcript NM_002055.5 (MANE Select); coding-DNA position 716, G replaced by A.
Protein change: p.Arg239His; replaces arginine 239 with histidine.
Molecular consequence: missense variant.
Genome position (GRCh38, 1-based): chr17:44,913,333, C>T on the plus strand (G>A on the coding strand, the complement: GFAP is on the minus strand). VCF-style: chr17-44913333-C-T. GRCh37 (hg19) VCF-style: chr17-42990701-C-T.
Other names: c.716G>A, p.Arg239His (NM_001131019.3, NM_001242376.3, NM_001363846.2); short protein forms R239H.
Identifiers: ClinVar variation 16168 (VCV000016168.43), dbSNP rs59565950, ClinGen allele CA217209.